The following is an entry in ClinVar:

NM_000257.4(MYH7):c.5329G>A (p.Ala1777Thr)

Gene: MYH7 (myosin heavy chain 7; minus strand). Cytogenetic location: 14q11.2.
Variant type: single nucleotide variant.
Coding change: c.5329G>A on transcript NM_000257.4 (MANE Select); coding-DNA position 5329, G replaced by A.
Protein change: p.Ala1777Thr; replaces alanine 1777 with threonine.
Molecular consequence: missense variant.
Genome position (GRCh38, 1-based): chr14:23,415,225, C>T on the plus strand (G>A on the coding strand, the complement: MYH7 is on the minus strand). VCF-style: chr14-23415225-C-T. GRCh37 (hg19) VCF-style: chr14-23884434-C-T.
Other names: NM_000257.3(MYH7):c.5329G>A; short protein forms A1777T.
Identifiers: ClinVar variation 177697 (VCV000177697.44), dbSNP rs200939753, ClinGen allele CA015952.
Genomic context (GRCh38, chr14:23,415,225, plus strand): 5'-GCCGGTGCTGCAGGTCCTTAATGGTCTGTTCCATGTTCTTCTTCATGCGCTCCAGGTGGG[C>T]GCTGGTGTCCTGCTCCTTCTTCAGCTCCTCTGCCATCATGGCGGCCTGTGTGCAGGAGAG-3'
Protein context (NP_000248.2, residues 1767-1787): EELKKEQDTS[Ala1777Thr]HLERMKKNME

ClinVar aggregate classification (germline): Uncertain significance. Review status: reviewed by expert panel (3 of 4 stars). 17 submissions from 17 submitters: Uncertain significance (1). 16 of the submissions do not count toward it. Last evaluated 2025-11-11.

Conditions:
Myopathy, myosin storage, autosomal recessive (CMYO7B). Also called: CONGENITAL MYOPATHY 7B, MYOSIN STORAGE, AUTOSOMAL RECESSIVE. Identifiers: Orphanet 636970, MedGen C1850709, MONDO:0009708, OMIM 255160.
Dilated cardiomyopathy 1S (CMD1S). Identifiers: Orphanet 154, Orphanet 54260, MedGen C1834481, MONDO:0013262, OMIM 613426.
Hypertrophic cardiomyopathy 1 (CMH1). Also called: MYH7-Related Familial Hypertrophic Cardiomyopathy; Familial hypertrophic cardiomyopathy 1. Identifiers: MedGen C3495498, MONDO:0008647, OMIM 192600.
MYH7-related skeletal myopathy. Also called: Myopathy, distal, 1; Laing distal myopathy; Laing early-onset distal myopathy; MYOPATHY, DISTAL, EARLY-ONSET, AUTOSOMAL DOMINANT; MYOPATHY, LATE DISTAL HEREDITARY. Identifiers: Orphanet 59135, MedGen C4552004, MONDO:0008050, OMIM 160500.
Myosin storage myopathy (CMYO7A). Also called: MYH7-related late-onset scapuloperoneal muscular dystrophy; Congenital myopathy 7A, myosin storage, autosomal dominant; MYOPATHY, HYALINE BODY, AUTOSOMAL DOMINANT; SCAPULOPERONEAL MUSCULAR DYSTROPHY; SCAPULOPERONEAL SYNDROME, MYOPATHIC TYPE; Scapuloperoneal myopathy, MYH7-related. Identifiers: Orphanet 437572, Orphanet 636965, MedGen C1842160, MONDO:0008409, OMIM 608358.
Congenital myopathy with fiber type disproportion. Also called: Congenital fiber-type disproportion myopathy; Congenital fiber-type disproportion. Identifiers: Orphanet 2020, MedGen C0546264, MONDO:0009711. Inheritance: all.
MYH7-related disorder. Also called: MYH7-related condition; MYH7-related disease; MYH7-related disorders.
Idiopathic camptocormia. Also called: Camptocormism; Camptocormia; Bent spine; Bent Spine Syndrome. Identifiers: Orphanet 1320, MedGen C0264162, MONDO:0015271, HP:0100595.
Cardiovascular phenotype. Identifiers: MedGen CN230736.
Cardiomyopathy (CMYO). Also called: Cardiomyopathies. Identifiers: Orphanet 167848, MedGen C0878544, MONDO:0004994, HP:0001638. Inheritance: Various modes of inheritance.
Primary familial hypertrophic cardiomyopathy (HCM). Identifiers: Orphanet 99739, MedGen C0949658, MeSH D024741, MONDO:0024573. Inheritance: Various modes of inheritance.
Hypertrophic cardiomyopathy. Also called: HYPERTROPHIC MYOCARDIOPATHY. Identifiers: Orphanet 217569, MedGen C0007194, MeSH D002312, MONDO:0005045, HP:0001639.

Allele frequency attached by ClinVar (database versions not stated): gnomAD exomes 0.00007 and 0.00011; gnomAD 0.00009; ExAC 0.00004; TOPMed 0.00006.
gnomAD v4.1: 167 of 1,614,120 alleles (0.01%); highest among the groups gnomAD compares: Non-Finnish European, 0.014%; no homozygotes.

Submissions 1 to 5 of 17:

ClinGen Cardiomyopathy Variant Curation Expert Panel
Classification: Uncertain significance for Hypertrophic cardiomyopathy. Last evaluated: 2025-11-11. Review status: reviewed by expert panel. Criteria: ClinGen CMP ACMG Specifications v1. Collection method: curation. Allele origin: germline. Inheritance: Autosomal dominant inheritance.
Comment: The NM_000257.4(MYH7):c.5329G>A (p.Ala1777Thr) variant has been identified in at least 14 individuals with HCM, 2 of whom had an additional variant in another gene that may contribute to their disease, 1 individual with RCM with another pathogenic MYH7 variant, and 5 individuals with DCM including 2 that also had disease-causing variants (Richard 2003 PMID:12707239; Bos 2014 PMID:24793961; Homburger 2016 PMID:27247418; Walsh 2017 PMID: 27532257; Ho 2018 PMID:30297972; Ambry pers. comm.; GeneDx pers. comm.; LMM pers. comm.; OMGL pers. comm). This variant has also been identified in 1 individual with LVNC requiring transplant who also had 2 pathogenic MYBPC3 variants, 1 individual with Brugada syndrome, and 2 individuals with myopathy - 1 with myofibrillar myopathy and 1 with distal and axial myopathy (Hertz 2014 PMID:25467552; Evilä 2016 PMID:26627873; Chanson 2016 PMID:26969127; Liu 2020 PMID:31918855). This variant has been observed to segregate with DCM in 1 relative of a proband with DCM as well as not segregate with HCM in an affected sibling of a proband with HCM (OMGL per. comm.). Because of the variability in phenotypes observed in individuals with this variant and because PS4 is only applicable when the variant is absent or rare in large population studies, the PS4 criterion was not applied (Kelly 2018 PMID:29300372). Additionally, the segregation data is currently insufficient to establish segregation or non-segregation with disease and therefore neither PP1 nor BS4 were applied. This variant has been identified in 0.008% (FAF 95% CI; 17/129,190) of European chromosomes in gnomAD v.2.1.1 and is above the threshold of 0.004%, therefore PM2 cannot be applied. Computational prediction tools and conservation do not provide evidence for or against an impact to the protein. In summary, due to conflicting evidence, this variant is classified as uncertain significance for cardiomyopathy in an autosomal dominant manner. MYH7-specific ACMG/AMP criteria applied (Kelly 2018 PMID:29300372): None.

PreventionGenetics, part of Exact Sciences
Classification: Uncertain significance for MYH7-related condition. Last evaluated: 2026-08-27. Review status: criteria provided, single submitter. Criteria: ACMG Guidelines, 2015. Collection method: clinical testing. Allele origin: germline. Not counted in ClinVar's aggregate classification.
Comment: The MYH7 c.5329G>A variant is predicted to result in the amino acid substitution p.Ala1777Thr. This variant has been reported in multiple individuals with hypertrophic cardiomyopathy (Richard et al. 2003. PubMed ID: 12707239; Ng et al. 2013. PubMed ID: 23861362; Bos et al. 2014. PubMed ID: 24793961; Homburger et al. 2016. PubMed ID: 27247418; Walsh et al. 2017. PubMed ID: 27532257; Table S2, Hathaway et al. 2021. PubMed ID: 33673806), one individual with Brugada syndrome (Hertz et al. 2015. PubMed ID: 25467552), one individual with distal and axial myopathy (Evilä et al. 2016. PubMed ID: 26627873), and one individual with camptocormia (Chanson et al. 2016. PubMed ID: 26969127). This variant is reported in 0.013% of alleles in individuals of European (Non-Finnish) descent in gnomAD. This variant has been classified as uncertain for autosomal dominant hypertrophic cardiomyopathy by the ClinGen Cardiomyopathy Variant Curation Expert Panel (Variation ID: 177697). At this time, the clinical significance of this variant is uncertain due to the absence of conclusive functional and genetic evidence.

GeneDx
Classification: Uncertain significance. Last evaluated: 2025-12-04. Review status: criteria provided, single submitter. Criteria: GeneDx Variant Classification Process June 2021. Collection method: clinical testing. Allele origin: germline. Affected: yes. Not counted in ClinVar's aggregate classification.
Comment: In silico analysis suggests that this missense variant does not alter protein structure/function; This variant is associated with the following publications: (PMID: 27247418, 25467552, 23447461, 25961035, 26969127, 26627873, 27532257, 31918855, 36095024, 23861362, 33673806, 29300372, 24793961, 32894683, 34542152, 30297972, 37652022, 12707239)

Labcorp Genetics (formerly Invitae), Labcorp
Classification: Uncertain significance for Hypertrophic cardiomyopathy. Last evaluated: 2025-11-27. Review status: criteria provided, single submitter. Criteria: Invitae Variant Classification Sherloc (09022015). Collection method: clinical testing. Allele origin: germline. Not counted in ClinVar's aggregate classification.
Comment: This sequence change replaces alanine, which is neutral and non-polar, with threonine, which is neutral and polar, at codon 1777 of the MYH7 protein (p.Ala1777Thr). This variant is present in population databases (rs200939753, gnomAD 0.01%). This missense change has been observed in individual(s) with hypertrophic cardiomyopathy (PMID: 12707239, 24793961, 27247418, 27532257, 32894683, 33673806; internal data). ClinVar contains an entry for this variant (Variation ID: 177697). Invitae Evidence Modeling of protein sequence and biophysical properties (such as structural, functional, and spatial information, amino acid conservation, physicochemical variation, residue mobility, and thermodynamic stability) indicates that this missense variant is expected to disrupt MYH7 protein function with a positive predictive value of 95%. In summary, the available evidence is currently insufficient to determine the role of this variant in disease. Therefore, it has been classified as a Variant of Uncertain Significance.

3billion
Classification: Uncertain significance for Hypertrophic cardiomyopathy 1. Last evaluated: 2024-12-18. Review status: criteria provided, single submitter. Criteria: ACMG Guidelines, 2015. Collection method: clinical testing. Allele origin: germline. Affected: yes. Not counted in ClinVar's aggregate classification.
Comment: The variant is observed at an extremely low frequency in the gnomAD v4.1.0 dataset (total allele frequency: 0.010%). Predicted Consequence/Location: Missense variant In silico tool predictions suggest damaging effect of the variant on gene or gene product [REVEL: 0.69 (>=0.6, sensitivity 0.68 and specificity 0.92); 3Cnet: 1.00 (>=0.6, sensitivity 0.72 and precision 0.9)]. The variant has been reported as of uncertain significance (ClinVar ID: VCV000177697). Therefore, this variant is classified as VUS according to the recommendation of ACMG/AMP guideline.